The following is an entry in ClinVar:

ClinVar aggregate classification (germline): Uncertain significance (1 of 4 stars; one submission).

Conditions:
RASopathy. Also called: rasopathies; Noonan spectrum disorder. Identifiers: Orphanet 536391, MedGen C5555857, MONDO:0021060.

Allele frequency attached by ClinVar (database versions not stated): gnomAD exomes below 0.00001; TOPMed 0.00001; gnomAD 0.00001.
gnomAD v4.1: 2 of 1,611,960 alleles (0.00012%); highest among the groups gnomAD compares: Admixed American, 0.0017%; no homozygotes.

Submission:

Labcorp Genetics (formerly Invitae), Labcorp
Classification: Uncertain significance for RASopathy. Last evaluated: 2026-01-04. Review status: criteria provided, single submitter. Criteria: Invitae Variant Classification Sherloc (09022015). Collection method: clinical testing. Allele origin: germline.
Comment: This sequence change falls in intron 2 of the MAP2K2 gene. It does not directly change the encoded amino acid sequence of the MAP2K2 protein. It affects a nucleotide within the consensus splice site. This variant is present in population databases (no rsID available, gnomAD 0.004%). This variant has not been reported in the literature in individuals affected with MAP2K2-related conditions. ClinVar contains an entry for this variant (Variation ID: 2733304). Variants that disrupt the consensus splice site are a relatively common cause of aberrant splicing (PMID: 17576681, 9536098). Algorithms developed to predict the effect of sequence changes on RNA splicing suggest that this variant is not likely to affect RNA splicing. In summary, the available evidence is currently insufficient to determine the role of this variant in disease. Therefore, it has been classified as a Variant of Uncertain Significance.

Literature cited by the submitters: PubMed 17576681; PubMed 9536098.

NM_030662.4(MAP2K2):c.303+6C>T

Gene: MAP2K2 (mitogen-activated protein kinase kinase 2; minus strand). Cytogenetic location: 19p13.3.
Variant type: single nucleotide variant.
Coding change: c.303+6C>T on transcript NM_030662.4 (MANE Select); 6 bases into the intron after coding-DNA position 303, C replaced by T.
Molecular consequence: intron variant.
Genome position (GRCh38, 1-based): chr19:4,117,413, G>A on the plus strand (C>T on the coding strand, the complement: MAP2K2 is on the minus strand). VCF-style: chr19-4117413-G-A. GRCh37 (hg19) VCF-style: chr19-4117411-G-A.
Identifiers: ClinVar variation 2733304 (VCV002733304.3), dbSNP rs1214405759, ClinGen allele CA631714482.
Genomic context (GRCh38, chr19:4,117,413, plus strand): 5'-CTGCCTCCTGTTTCCAGGGGGACCTTCCCCACCACTCCCCGACCTCCCCGACCCCGCAGT[G>A]CTCACCTTCCTGGCCATGATGAGGCCCGAGGGTCTGTGCTGGACTTTGGTGACCACCCCG-3'